The following is an entry in ClinVar:

ClinVar aggregate classification (germline): Likely pathogenic (1 of 4 stars; one submission).

Conditions:
Marfan syndrome (MFS). Also called: Marfan syndrome type 1; Marfan's syndrome; FBN1-Related Marfan Syndrome; MARFAN SYNDROME, TYPE I; Marfan syndrome, classic. Identifiers: Orphanet 284963, Orphanet 558, MedGen C0024796, MONDO:0007947, OMIM 154700.

Submission:

Centre of Medical Genetics, University of Antwerp
Classification: Likely pathogenic for Marfan syndrome. Last evaluated: 2021-03-01. Review status: criteria provided, single submitter. Criteria: Submitter's publication. Collection method: research. Allele origin: unknown. Affected: yes.
Comment: PM2, PS7, PP4

GRCh37/hg19 15q21.1(chr15:48789463-48791235)

Gene: FBN1 (fibrillin 1; minus strand). Cytogenetic location: 15q21.1.
Variant type: copy number loss.
Identifiers: ClinVar variation 1325460 (VCV001325460.2).